The following is an entry in ClinVar:

ClinVar aggregate classification (germline): Uncertain significance (1 of 4 stars; one submission).

gnomAD v4.1: 2 of 1,612,960 alleles (0.00012%); highest among the groups gnomAD compares: Non-Finnish European, 0.00017%; no homozygotes.

Submission:

Centre of Medical Genetics, University Hospital Muenster
Classification: Uncertain significance. Last evaluated: 2021-12-08. Review status: criteria provided, single submitter. Criteria: ACMG Guidelines, 2015. Collection method: clinical testing. Allele origin: unknown. Affected: yes. Observed: 1 variant allele, 1 heterozygote.
Comment: ACMG categories: PM1,PM2,PP3

NM_000836.4(GRIN2D):c.676G>A (p.Gly226Arg)

Gene: GRIN2D (glutamate ionotropic receptor NMDA type subunit 2D; plus strand). Cytogenetic location: 19q13.33.
Variant type: single nucleotide variant.
Coding change: c.676G>A on transcript NM_000836.4 (MANE Select); coding-DNA position 676, G replaced by A.
Protein change: p.Gly226Arg; replaces glycine 226 with arginine.
Molecular consequence: missense variant.
Genome position (GRCh38, 1-based): chr19:48,404,944, G>A. VCF-style: chr19-48404944-G-A. GRCh37 (hg19) VCF-style: chr19-48908201-G-A.
Other names: short protein forms G226R.
Identifiers: ClinVar variation 1708449 (VCV001708449.2), dbSNP rs1970766242, ClinGen allele CA406691713.
Genomic context (GRCh38, chr19:48,404,944, plus strand): 5'-GTGCTGACTGACGGTAGTCTGGTGGGCTGGGAGCACCGCGGAGCGCTGACGCTGGACCCT[G>A]GGGCGGGCGAGGCCGTGCTCAGTGCCCAGCTCCGCAGTGTCAGCGCGCAGATCCGCCTGC-3'
Protein context (NP_000827.2, residues 216-236): EHRGALTLDP[Gly226Arg]AGEAVLSAQL